The following is an entry in ClinVar:

ClinVar aggregate classification (germline): Uncertain significance (1 of 4 stars; one submission).

Conditions:
Hereditary cancer-predisposing syndrome. Also called: Neoplastic Syndromes, Hereditary; Tumor predisposition; Hereditary neoplastic syndrome; Hereditary Cancer Syndrome. Identifiers: Orphanet 140162, MedGen C0027672, MeSH D009386, MONDO:0015356.

Submission:

Ambry Genetics
Classification: Uncertain significance for Hereditary cancer-predisposing syndrome. Last evaluated: 2025-05-31. Review status: criteria provided, single submitter. Criteria: Ambry Variant Classification Scheme 2023. Collection method: clinical testing. Allele origin: germline.
Comment: The p.C183Y variant (also known as c.548G>A), located in coding exon 1 of the HOXB13 gene, results from a G to A substitution at nucleotide position 548. The cysteine at codon 183 is replaced by tyrosine, an amino acid with highly dissimilar properties. This amino acid position is conserved. In addition, this alteration is predicted to be tolerated by in silico analysis. Based on the available evidence, the clinical significance of this variant remains unclear.

NM_006361.6(HOXB13):c.548G>A (p.Cys183Tyr)

Gene: HOXB13 (homeobox B13; minus strand). Cytogenetic location: 17q21.32.
Variant type: single nucleotide variant.
Coding change: c.548G>A on transcript NM_006361.6 (MANE Select); coding-DNA position 548, G replaced by A.
Protein change: p.Cys183Tyr; replaces cysteine 183 with tyrosine.
Molecular consequence: missense variant.
Genome position (GRCh38, 1-based): chr17:48,728,046, C>T on the plus strand (G>A on the coding strand, the complement: HOXB13 is on the minus strand). VCF-style: chr17-48728046-C-T. GRCh37 (hg19) VCF-style: chr17-46805408-C-T.
Other names: short protein forms C183Y.
Identifiers: ClinVar variation 4035945 (VCV004035945.1).